The following is an entry in ClinVar:

ClinVar aggregate classification (germline): Uncertain significance (1 of 4 stars; one submission).

Allele frequency attached by ClinVar (database versions not stated): gnomAD exomes below 0.00001.
gnomAD v4.1: 1 of 1,606,716 alleles (0.000062%); highest among the groups gnomAD compares: Non-Finnish European, 0.000085%; no homozygotes.

Submission:

Ambry Genetics
Classification: Uncertain significance. Last evaluated: 2022-01-10. Review status: criteria provided, single submitter. Criteria: Ambry Variant Classification Scheme 2023. Collection method: clinical testing. Allele origin: germline.
Comment: The p.S159N variant (also known as c.476G>A), located in coding exon 5 of the NEBL gene, results from a G to A substitution at nucleotide position 476. The serine at codon 159 is replaced by asparagine, an amino acid with highly similar properties. This amino acid position is conserved. In addition, this alteration is predicted to be tolerated by in silico analysis. Since supporting evidence is limited at this time, the clinical significance of this alteration remains unclear.

NM_006393.3(NEBL):c.476G>A (p.Ser159Asn)

Gene: NEBL (nebulette; minus strand). Cytogenetic location: 10p12.31.
Variant type: single nucleotide variant.
Coding change: c.476G>A on transcript NM_006393.3 (MANE Select); coding-DNA position 476, G replaced by A.
Protein change: p.Ser159Asn; replaces serine 159 with asparagine.
Molecular consequence: missense variant. On other transcripts: intron variant (9).
Genome position (GRCh38, 1-based): chr10:20,880,798, C>T on the plus strand (G>A on the coding strand, the complement: NEBL is on the minus strand). VCF-style: chr10-20880798-C-T. GRCh37 (hg19) VCF-style: chr10-21169727-C-T.
Other names: c.250-67858G>A (NM_001377326.1, NM_001377327.1, NM_001377328.1); c.358-67858G>A (NM_213569.2, NM_001173484.2, NM_001377322.1); c.301-67858G>A (NM_001377324.1); c.292-67858G>A (NM_001377325.1); c.310-67858G>A (NM_001377323.1); short protein forms S159N.
Identifiers: ClinVar variation 1742951 (VCV001742951.2), dbSNP rs2492436765, ClinGen allele CA376104396.